The following is an entry in ClinVar:

ClinVar aggregate classification (germline): Uncertain significance (1 of 4 stars; one submission).

Conditions:
Spastic paraplegia. Identifiers: MedGen C0037772, HP:0001258.

gnomAD v4.1: 33 of 1,612,774 alleles (0.002%); highest among the groups gnomAD compares: South Asian, 0.0055%; no homozygotes.

Submission:

Labcorp Genetics (formerly Invitae), Labcorp
Classification: Uncertain significance for Spastic paraplegia. Last evaluated: 2022-10-13. Review status: criteria provided, single submitter. Criteria: Invitae Variant Classification Sherloc (09022015). Collection method: clinical testing. Allele origin: germline.
Comment: This sequence change replaces proline, which is neutral and non-polar, with leucine, which is neutral and non-polar, at codon 2529 of the ZFYVE26 protein (p.Pro2529Leu). This variant is present in population databases (no rsID available, gnomAD 0.002%). This variant has not been reported in the literature in individuals affected with ZFYVE26-related conditions. Algorithms developed to predict the effect of missense changes on protein structure and function are either unavailable or do not agree on the potential impact of this missense change (SIFT: "Deleterious"; PolyPhen-2: "Benign"; Align-GVGD: "Class C0"). In summary, the available evidence is currently insufficient to determine the role of this variant in disease. Therefore, it has been classified as a Variant of Uncertain Significance.

NM_015346.4(ZFYVE26):c.7586C>T (p.Pro2529Leu)

Gene: ZFYVE26 (zinc finger FYVE-type containing 26; minus strand). Cytogenetic location: 14q24.1.
Variant type: single nucleotide variant.
Coding change: c.7586C>T on transcript NM_015346.4 (MANE Select); coding-DNA position 7586, C replaced by T.
Protein change: p.Pro2529Leu; replaces proline 2529 with leucine.
Molecular consequence: missense variant.
Genome position (GRCh38, 1-based): chr14:67,748,470, G>A on the plus strand (C>T on the coding strand, the complement: ZFYVE26 is on the minus strand). VCF-style: chr14-67748470-G-A. GRCh37 (hg19) VCF-style: chr14-68215187-G-A.
Other names: short protein forms P2529L.
Identifiers: ClinVar variation 2191120 (VCV002191120.1), dbSNP rs143198225, ClinGen allele CA262809271.